The following is an entry in ClinVar:

NM_153603.4(COG7):c.1640T>A (p.Met547Lys)

Gene: COG7 (component of oligomeric golgi complex 7; minus strand). Cytogenetic location: 16p12.2.
Variant type: single nucleotide variant.
Coding change: c.1640T>A on transcript NM_153603.4 (MANE Select); coding-DNA position 1640, T replaced by A.
Protein change: p.Met547Lys; replaces methionine 547 with lysine.
Molecular consequence: missense variant.
Genome position (GRCh38, 1-based): chr16:23,406,098, A>T on the plus strand (T>A on the coding strand, the complement: COG7 is on the minus strand). VCF-style: chr16-23406098-A-T. GRCh37 (hg19) VCF-style: chr16-23417419-A-T.
Other names: short protein forms M547K.
Identifiers: ClinVar variation 2093160 (VCV002093160.4), dbSNP rs2506573466, ClinGen allele CA395118523.

ClinVar aggregate classification (germline): Uncertain significance (1 of 4 stars; one submission).

Conditions:
COG7 congenital disorder of glycosylation (CDG2E). Also called: CONGENITAL DISORDER OF GLYCOSYLATION, TYPE IIe; CDG IIe. Identifiers: Orphanet 79333, MedGen C2931010, MONDO:0012118, OMIM 608779.

Allele frequency attached by ClinVar (database versions not stated): gnomAD exomes below 0.00001.
gnomAD v4.1: 4 of 1,614,116 alleles (0.00025%); highest among the groups gnomAD compares: Non-Finnish European, 0.00034%; no homozygotes.

Submission:

Labcorp Genetics (formerly Invitae), Labcorp
Classification: Uncertain significance for COG7 congenital disorder of glycosylation. Last evaluated: 2022-02-04. Review status: criteria provided, single submitter. Criteria: Invitae Variant Classification Sherloc (09022015). Collection method: clinical testing. Allele origin: germline.
Comment: Algorithms developed to predict the effect of missense changes on protein structure and function are either unavailable or do not agree on the potential impact of this missense change (SIFT: "Deleterious"; PolyPhen-2: "Benign"; Align-GVGD: "Class C55"). This variant has not been reported in the literature in individuals affected with COG7-related conditions. This variant is not present in population databases (gnomAD no frequency). This sequence change replaces methionine, which is neutral and non-polar, with lysine, which is basic and polar, at codon 547 of the COG7 protein (p.Met547Lys). In summary, the available evidence is currently insufficient to determine the role of this variant in disease. Therefore, it has been classified as a Variant of Uncertain Significance.